The following is an entry in ClinVar:

ClinVar aggregate classification (germline): Uncertain significance. Review status: criteria provided, multiple submitters, no conflicts (2 of 4 stars). 4 submissions from 4 submitters: Uncertain significance (4). Last evaluated 2024-11-27.

Conditions:
Lethal congenital glycogen storage disease of heart. Also called: PHOSPHORYLASE KINASE DEFICIENCY OF HEART; GLYCOGEN STORAGE DISEASE OF HEART. Identifiers: Orphanet 439854, MedGen C1849813, MONDO:0009867, OMIM 261740.
Cardiomyopathy (CMYO). Also called: Cardiomyopathies. Identifiers: Orphanet 167848, MedGen C0878544, MONDO:0004994, HP:0001638. Inheritance: Various modes of inheritance.
Cardiovascular phenotype. Identifiers: MedGen CN230736.
Hypertrophic cardiomyopathy. Also called: HYPERTROPHIC MYOCARDIOPATHY. Identifiers: Orphanet 217569, MedGen C0007194, MeSH D002312, MONDO:0005045, HP:0001639.

Allele frequency attached by ClinVar (database versions not stated): gnomAD exomes below 0.00001; gnomAD 0.00001; TOPMed 0.00001.
gnomAD v4.1: 4 of 1,613,792 alleles (0.00025%); highest among the groups gnomAD compares: Admixed American, 0.0067%; no homozygotes.

Submissions (4):

Labcorp Genetics (formerly Invitae), Labcorp
Classification: Uncertain significance for Lethal congenital glycogen storage disease of heart. Last evaluated: 2024-11-27. Review status: criteria provided, single submitter. Criteria: Invitae Variant Classification Sherloc (09022015). Collection method: clinical testing. Allele origin: germline.
Comment: This sequence change replaces glutamic acid, which is acidic and polar, with glycine, which is neutral and non-polar, at codon 454 of the PRKAG2 protein (p.Glu454Gly). This variant is present in population databases (no rsID available, gnomAD 0.1%). This missense change has been observed in individual(s) with PRKAG2-related conditions (PMID: 32646569). ClinVar contains an entry for this variant (Variation ID: 927650). Invitae Evidence Modeling of protein sequence and biophysical properties (such as structural, functional, and spatial information, amino acid conservation, physicochemical variation, residue mobility, and thermodynamic stability) indicates that this missense variant is not expected to disrupt PRKAG2 protein function with a negative predictive value of 95%. In summary, the available evidence is currently insufficient to determine the role of this variant in disease. Therefore, it has been classified as a Variant of Uncertain Significance.

All of Us Research Program, National Institutes of Health
Classification: Uncertain significance for Hypertrophic cardiomyopathy. Last evaluated: 2024-08-13. Review status: criteria provided, single submitter. Criteria: ACMG Guidelines, 2015. Collection method: clinical testing. Allele origin: germline. Inheritance: Autosomal dominant inheritance. Observed: 3 variant alleles, 3 heterozygotes.
Comment: This missense variant replaces glutamic acid with glycine at codon 454 of the PRKAG2 protein. Computational prediction tool is inconclusive regarding the impact of this variant on protein structure and function (internally defined REVEL score threshold 0.5 < inconclusive < 0.7, PMID: 27666373). Splice site prediction tools suggest that this variant may not impact RNA splicing. To our knowledge, functional studies have not been performed for this variant. This variant has not been reported in individuals affected with cardiovascular disorders in the literature. This variant has been identified in 2/282878 chromosomes in the general population by the Genome Aggregation Database (gnomAD). The available evidence is insufficient to determine the role of this variant in disease conclusively. Therefore, this variant is classified as a Variant of Uncertain Significance.

This study involves interpretation of variants in research participants for the purpose of population health screening. Participant phenotype was not available at the time of variant classification. Additional details can be found in publication PMID: 35346344, PMCID: PMC8962531

Ambry Genetics
Classification: Uncertain significance for Cardiovascular phenotype. Last evaluated: 2024-08-01. Review status: criteria provided, single submitter. Criteria: Ambry Variant Classification Scheme 2023. Collection method: clinical testing. Allele origin: germline.
Comment: The p.E454G variant (also known as c.1361A>G), located in coding exon 12 of the PRKAG2 gene, results from an A to G substitution at nucleotide position 1361. The glutamic acid at codon 454 is replaced by glycine, an amino acid with similar properties. This alteration has been reported in a PRKAG2 genetic testing cohort (Lopez-Sainz A et al. J Am Coll Cardiol, 2020 Jul;76:186-197). This amino acid position is well conserved in available vertebrate species. In addition, this alteration is predicted to be deleterious by in silico analysis. Based on the available evidence, the clinical significance of this variant remains unclear.

Color Diagnostics, LLC DBA Color Health
Classification: Uncertain significance for Cardiomyopathy. Last evaluated: 2024-07-25. Review status: criteria provided, single submitter. Criteria: ACMG Guidelines, 2015. Collection method: clinical testing. Allele origin: germline.
Comment: This missense variant replaces glutamic acid with glycine at codon 454 of the PRKAG2 protein. Computational prediction tools indicate that this variant's impact on protein structure and function is inconclusive. To our knowledge, functional studies have not been reported for this variant. This variant has been reported in an individual affected with PRKAG2 syndrome (PMID: 32646569). This variant has been identified in 2/282878 chromosomes in the general population by the Genome Aggregation Database (gnomAD). The available evidence is insufficient to determine the role of this variant in disease conclusively. Therefore, this variant is classified as a Variant of Uncertain Significance.

Literature cited by the submitters: PubMed 32646569 (cited by 3 submitters).

NM_016203.4(PRKAG2):c.1361A>G (p.Glu454Gly)

Gene: PRKAG2 (protein kinase AMP-activated non-catalytic subunit gamma 2; minus strand). Cytogenetic location: 7q36.1.
Variant type: single nucleotide variant.
Coding change: c.1361A>G on transcript NM_016203.4 (MANE Select); coding-DNA position 1361, A replaced by G.
Protein change: p.Glu454Gly; replaces glutamic acid 454 with glycine.
Molecular consequence: missense variant.
Genome position (GRCh38, 1-based): chr7:151,565,758, T>C on the plus strand (A>G on the coding strand, the complement: PRKAG2 is on the minus strand). VCF-style: chr7-151565758-T-C. GRCh37 (hg19) VCF-style: chr7-151262844-T-C.
Other names: c.1229A>G, p.Glu410Gly (NM_001040633.2); c.986A>G, p.Glu329Gly (NM_001304527.2); c.638A>G, p.Glu213Gly (NM_001304531.2, NM_024429.2); c.989A>G, p.Glu330Gly (NM_001363698.2); c.1361A>G (NM_016203.3); short protein forms E330G, E213G, E329G, E410G, E454G.
Identifiers: ClinVar variation 927650 (VCV000927650.11), dbSNP rs940818676, ClinGen allele CA169165519.